The following is an entry in ClinVar:

ClinVar aggregate classification (germline): Uncertain significance (1 of 4 stars; one submission).

Conditions:
Familial cancer of breast. Also called: BREAST CANCER, FAMILIAL; hereditary breast carcinoma; Hereditary breast cancer. Identifiers: Orphanet 227535, MedGen C0346153, MONDO:0016419, OMIM 114480. Disease mechanism: loss of function.

Submission:

Labcorp Genetics (formerly Invitae), Labcorp
Classification: Uncertain significance for Familial cancer of breast. Last evaluated: 2023-08-27. Review status: criteria provided, single submitter. Criteria: Invitae Variant Classification Sherloc (09022015). Collection method: clinical testing. Allele origin: germline.
Comment: This sequence change replaces glycine, which is neutral and non-polar, with arginine, which is basic and polar, at codon 370 of the CHEK2 protein (p.Gly370Arg). This variant is not present in population databases (gnomAD no frequency). This variant has not been reported in the literature in individuals affected with CHEK2-related conditions. ClinVar contains an entry for this variant (Variation ID: 460785). An algorithm developed to predict the effect of missense changes on protein structure and function (PolyPhen-2) suggests that this variant is likely to be disruptive. In summary, the available evidence is currently insufficient to determine the role of this variant in disease. Therefore, it has been classified as a Variant of Uncertain Significance.

NM_007194.4(CHEK2):c.1108G>C (p.Gly370Arg)

Gene: CHEK2 (checkpoint kinase 2; minus strand). Cytogenetic location: 22q12.1.
Variant type: single nucleotide variant.
Coding change: c.1108G>C on transcript NM_007194.4 (MANE Select); coding-DNA position 1108, G replaced by C.
Protein change: p.Gly370Arg; replaces glycine 370 with arginine.
Molecular consequence: missense variant.
Genome position (GRCh38, 1-based): chr22:28,695,861, C>G on the plus strand (G>C on the coding strand, the complement: CHEK2 is on the minus strand). VCF-style: chr22-28695861-C-G. GRCh37 (hg19) VCF-style: chr22-29091849-C-G.
Other names: c.1237G>C, p.Gly413Arg (NM_001005735.3); c.445G>C, p.Gly149Arg (NM_001257387.3); c.907G>C, p.Gly303Arg (NM_001349956.3); c.1021G>C, p.Gly341Arg (NM_145862.3); short protein forms G370R, G303R, G413R, G149R, G341R.
Identifiers: ClinVar variation 460785 (VCV000460785.8), dbSNP rs1555913924, ClinGen allele CA411097149.